The following is an entry in ClinVar:

ClinVar aggregate classification (germline): Pathogenic (1 of 4 stars; one submission).

Conditions:
Hereditary cancer-predisposing syndrome. Also called: Neoplastic Syndromes, Hereditary; Tumor predisposition; Hereditary Cancer Syndrome; Hereditary neoplastic syndrome. Identifiers: Orphanet 140162, MedGen C0027672, MeSH D009386, MONDO:0015356.

Submission:

Ambry Genetics
Classification: Pathogenic for Hereditary cancer-predisposing syndrome. Last evaluated: 2015-03-23. Review status: criteria provided, single submitter. Criteria: Ambry Variant Classification Scheme 2023. Collection method: clinical testing. Allele origin: germline.
Comment: The c.360_361delAG pathogenic mutation, located in coding exon 4 of the TSC2 gene, results from a deletion of two nucleotides between nucleotide positions 360 and 361, causing a translational frameshift with a predicted alternate stop codon. Since frameshifts are typically deleterious in nature, this alteration is interpreted as a disease-causing mutation (ACMG Recommendations for Standards for Interpretation and Reporting of Sequence Variations. Revision 2007. Genet Med. 2008;10:294).

NM_000548.5(TSC2):c.360_361del (p.Arg120fs)

Gene: TSC2 (TSC complex subunit 2; plus strand). Cytogenetic location: 16p13.3.
Variant type: Microsatellite.
Coding change: c.360_361del on transcript NM_000548.5 (MANE Select); coding-DNA positions 360 to 361, 2 bases deleted (AG; older notation c.360_361delAG).
Protein change: p.Arg120fs; shifts the reading frame from arginine 120.
Molecular consequence: frameshift variant. On other transcripts: intron variant (1).
Genome position (GRCh38, 1-based): chr16:2,054,319-2,054,320, AG deleted; deleting any 2 consecutive bases within chr16:2,054,317-2,054,320 gives the same sequence; the c. name uses the placement nearest the transcript's 3' end. VCF-style (leftmost placement, unchanged base first): chr16-2054316-CAG-C. GRCh37 (hg19) VCF-style: chr16-2104317-CAG-C.
Other names: c.360_361del, p.Arg120fs (NM_001077183.3, NM_001114382.3, NM_001363528.2 and 3 more transcripts); c.249_250del, p.Arg83fs (NM_001318827.2); c.213_214del, p.Arg71fs (NM_001318829.2); c.393_394del, p.Arg131fs (NM_001318832.2); c.-1-1877_-1-1876del (NM_001318831.2); short protein forms R131fs, R120fs, R71fs, R83fs.
Identifiers: ClinVar variation 230974 (VCV000230974.5), dbSNP rs876658878, ClinGen allele CA10579870.